The following is an entry in ClinVar:

NM_006348.5(COG5):c.847C>T (p.Arg283Ter)

Gene: COG5 (component of oligomeric golgi complex 5; minus strand). Cytogenetic location: 7q22.3.
Variant type: single nucleotide variant.
Coding change: c.847C>T on transcript NM_006348.5 (MANE Select); coding-DNA position 847, C replaced by T.
Protein change: p.Arg283Ter; replaces arginine 283 with a stop codon.
Molecular consequence: nonsense. On other transcripts: intron variant (2).
Genome position (GRCh38, 1-based): chr7:107,362,409, G>A on the plus strand (C>T on the coding strand, the complement: COG5 is on the minus strand). VCF-style: chr7-107362409-G-A. GRCh37 (hg19) VCF-style: chr7-107002854-G-A.
Other names: c.847C>T, p.Arg283Ter (NM_001161520.2, NM_001379511.1, NM_001379512.1 and 3 more transcripts); c.235-299C>T (NM_001379516.1); c.539-64063C>T (NM_001379515.1); short protein forms R283*.
Identifiers: ClinVar variation 1030100 (VCV001030100.4), dbSNP rs548774836, ClinGen allele CA4431080.

ClinVar aggregate classification (germline): Pathogenic. Review status: criteria provided, multiple submitters, no conflicts (2 of 4 stars). 2 submissions from 2 submitters: Pathogenic (2). Last evaluated 2024-11-10.

Conditions:
COG5-congenital disorder of glycosylation. Also called: CONGENITAL DISORDER OF GLYCOSYLATION, TYPE IIi; CDG IIi; COG5-CDG. Identifiers: Orphanet 263487, MedGen C3150876, MONDO:0013325, OMIM 613612.

Allele frequency attached by ClinVar (database versions not stated): TOPMed 0.00001; gnomAD exomes 0.00002; ExAC 0.00003; 1000 Genomes Project 30x 0.00016; 1000 Genomes Project 0.00020.
gnomAD v4.1: 14 of 1,612,478 alleles (0.00087%); highest among the groups gnomAD compares: South Asian, 0.011%; no homozygotes.

Submissions (2):

Labcorp Genetics (formerly Invitae), Labcorp
Classification: Pathogenic for COG5-congenital disorder of glycosylation. Last evaluated: 2024-11-10. Review status: criteria provided, single submitter. Criteria: Invitae Variant Classification Sherloc (09022015). Collection method: clinical testing. Allele origin: germline.
Comment: This sequence change creates a premature translational stop signal (p.Arg314*) in the COG5 gene. It is expected to result in an absent or disrupted protein product. Loss-of-function variants in COG5 are known to be pathogenic (PMID: 23228021). This variant is present in population databases (rs548774836, gnomAD 0.01%). This variant has not been reported in the literature in individuals affected with COG5-related conditions. ClinVar contains an entry for this variant (Variation ID: 1030100). For these reasons, this variant has been classified as Pathogenic.

Baylor Genetics
Classification: Pathogenic for COG5-congenital disorder of glycosylation. Last evaluated: 2019-11-27. Review status: criteria provided, single submitter. Criteria: ACMG Guidelines, 2015. Collection method: clinical testing. Allele origin: unknown. Affected: yes.
Comment: This variant was determined to be pathogenic according to ACMG Guidelines, 2015 [PMID:25741868].

Literature cited by the submitters: PubMed 23228021 (cited by Labcorp Genetics (formerly Invitae), Labcorp).